The following is an entry in ClinVar:

NM_001197104.2(KMT2A):c.9461A>G (p.Lys3154Arg)

Gene: KMT2A (lysine methyltransferase 2A; plus strand). Cytogenetic location: 11q23.3.
Variant type: single nucleotide variant.
Coding change: c.9461A>G on transcript NM_001197104.2 (MANE Select); coding-DNA position 9461, A replaced by G.
Protein change: p.Lys3154Arg; replaces lysine 3154 with arginine.
Molecular consequence: missense variant.
Genome position (GRCh38, 1-based): chr11:118,505,353, A>G. VCF-style: chr11-118505353-A-G. GRCh37 (hg19) VCF-style: chr11-118376068-A-G.
Other names: c.9551A>G, p.Lys3184Arg (NM_001412597.1); c.9452A>G, p.Lys3151Arg (NM_005933.4); short protein forms K3151R, K3154R, K3184R.
Identifiers: ClinVar variation 4056555 (VCV004056555.1).

ClinVar aggregate classification (germline): Uncertain significance (1 of 4 stars; one submission).

Conditions:
Wiedemann-Steiner syndrome (WDSTS). Also called: Growth deficiency and mental retardation with facial dysmorphism. Identifiers: Orphanet 319182, MedGen C1854630, MONDO:0011518, OMIM 605130.

Submission:

Laboratorio de Genetica e Diagnostico Molecular, Hospital Israelita Albert Einstein
Classification: Uncertain significance for Wiedemann-Steiner syndrome. Last evaluated: 2024-09-27. Review status: criteria provided, single submitter. Criteria: ACMG Guidelines, 2015. Collection method: clinical testing. Allele origin: germline. Affected: yes.
Comment: ACMG classification criteria: PM2 supporting, PP2 supporting